The following is an entry in ClinVar:

ClinVar aggregate classification (germline): Benign. Review status: criteria provided, multiple submitters, no conflicts (2 of 4 stars). 3 submissions from 3 submitters: Benign (2). 1 of the submissions does not count toward it. Last evaluated 2019-12-31.

Conditions:
CDH19-related disorder. Also called: CDH19-related condition.

Allele frequency attached by ClinVar (database versions not stated): gnomAD exomes 0.00150 and 0.00385; ESP Exome Variant Server 0.02061; TOPMed 0.01817; 1000 Genomes Project 0.01418; gnomAD 0.01601 and 0.01727; ExAC 0.00477; 1000 Genomes Project 30x 0.01343.
gnomAD v4.1: 4,725 of 1,611,456 alleles (0.29%); highest among the groups gnomAD compares: African/African-American, 5.6%; 118 homozygotes.

Submissions (3):

Labcorp Genetics (formerly Invitae), Labcorp
Classification: Benign. Last evaluated: 2019-12-31. Review status: criteria provided, single submitter. Criteria: Invitae Variant Classification Sherloc (09022015). Collection method: clinical testing. Allele origin: germline.

Breakthrough Genomics
Classification: Benign. Review status: criteria provided, single submitter. Criteria: ACMG Guidelines, 2015. Collection method: not provided. Allele origin: germline. Inheritance: Unknown mechanism. Affected: yes.

PreventionGenetics, part of Exact Sciences
Classification: Benign for CDH19-related condition. Last evaluated: 2019-03-25. Review status: no assertion criteria provided. Collection method: clinical testing. Allele origin: germline. Not counted in ClinVar's aggregate classification.
Comment: This variant is classified as benign based on ACMG/AMP sequence variant interpretation guidelines (Richards et al. 2015 PMID: 25741868, with internal and published modifications).

NM_021153.4(CDH19):c.266C>T (p.Thr89Ile)

Gene: CDH19 (cadherin 19; minus strand). Cytogenetic location: 18q22.1.
Variant type: single nucleotide variant.
Coding change: c.266C>T on transcript NM_021153.4 (MANE Select); coding-DNA position 266, C replaced by T.
Protein change: p.Thr89Ile; replaces threonine 89 with isoleucine.
Molecular consequence: missense variant. On other transcripts: non-coding transcript variant (1).
Genome position (GRCh38, 1-based): chr18:66,568,640, G>A on the plus strand (C>T on the coding strand, the complement: CDH19 is on the minus strand). VCF-style: chr18-66568640-G-A. GRCh37 (hg19) VCF-style: chr18-64235877-G-A.
Other names: c.266C>T, p.Thr89Ile (NM_001271028.2); short protein forms T89I.
Identifiers: ClinVar variation 780482 (VCV000780482.7), dbSNP rs114375304, ClinGen allele CA8992223.